The following is an entry in ClinVar:

NM_000214.3(JAG1):c.3215dup (p.Leu1072fs)

Gene: JAG1 (jagged canonical Notch ligand 1; minus strand). Cytogenetic location: 20p12.2.
Variant type: Duplication.
Coding change: c.3215dup on transcript NM_000214.3 (MANE Select); coding-DNA position 3215, one base duplicated (T; older notation c.3215dupT).
Protein change: p.Leu1072fs; shifts the reading frame from leucine 1072.
Molecular consequence: frameshift variant.
Genome position (GRCh38, 1-based): chr20:10,639,940, A duplicated on the plus strand (T on the coding strand, the reverse complement: JAG1 is on the minus strand); the first of 2 consecutive A bases (chr20:10,639,940-10,639,941); duplicating either gives the same sequence. VCF-style (leftmost placement, unchanged base first): chr20-10639939-C-CA. GRCh37 (hg19) VCF-style: chr20-10620587-C-CA.
Other names: short protein forms L1072fs.
Identifiers: ClinVar variation 3649825 (VCV003649825.2).

ClinVar aggregate classification (germline): Pathogenic (1 of 4 stars; one submission).

Conditions:
Alagille syndrome due to a JAG1 point mutation. Also called: HEPATIC DUCTULAR HYPOPLASIA, SYNDROMATIC; JAG1-Related Alagille Syndrome; Alagille Syndrome 1. Identifiers: Orphanet 261619, Orphanet 52, MedGen C1956125, MONDO:0016862, OMIM 118450.

Submission:

Labcorp Genetics (formerly Invitae), Labcorp
Classification: Pathogenic for Alagille syndrome due to a JAG1 point mutation. Last evaluated: 2024-04-14. Review status: criteria provided, single submitter. Criteria: Invitae Variant Classification Sherloc (09022015). Collection method: clinical testing. Allele origin: germline.
Comment: This sequence change creates a premature translational stop signal (p.Leu1072Phefs*37) in the JAG1 gene. While this is not anticipated to result in nonsense mediated decay, it is expected to disrupt the last 147 amino acid(s) of the JAG1 protein. This variant is not present in population databases (gnomAD no frequency). This variant has not been reported in the literature in individuals affected with JAG1-related conditions. This variant disrupts a region of the JAG1 protein in which other variant(s) (p.Ser1075Cysfs*33) have been determined to be pathogenic (PMID: 9700188). This suggests that this is a clinically significant region of the protein, and that variants that disrupt it are likely to be disease-causing. For these reasons, this variant has been classified as Pathogenic.

Literature cited by the submitters: PubMed 9700188.